The following is an entry in ClinVar:

ClinVar aggregate classification (germline): Uncertain significance (1 of 4 stars; one submission).

Submission:

GeneDx
Classification: Uncertain significance. Last evaluated: 2022-05-06. Review status: criteria provided, single submitter. Criteria: GeneDx Variant Classification Process June 2021. Collection method: clinical testing. Allele origin: germline. Affected: yes.
Comment: Not observed at significant frequency in large population cohorts (gnomAD); In silico analysis supports that this missense variant does not alter protein structure/function; Has not been previously published as pathogenic or benign to our knowledge

NM_014727.3(KMT2B):c.4856T>A (p.Phe1619Tyr)

Gene: KMT2B (lysine methyltransferase 2B; plus strand). Cytogenetic location: 19q13.12.
Variant type: single nucleotide variant.
Coding change: c.4856T>A on transcript NM_014727.3 (MANE Select); coding-DNA position 4856, T replaced by A.
Protein change: p.Phe1619Tyr; replaces phenylalanine 1619 with tyrosine.
Molecular consequence: missense variant.
Genome position (GRCh38, 1-based): chr19:35,729,235, T>A. VCF-style: chr19-35729235-T-A. GRCh37 (hg19) VCF-style: chr19-36220136-T-A.
Other names: short protein forms F1619Y.
Identifiers: ClinVar variation 1722880 (VCV001722880.2), dbSNP rs2513342943, ClinGen allele CA405418071.